The following is an entry in ClinVar:

ClinVar aggregate classification (germline): Uncertain significance. Review status: criteria provided, multiple submitters, no conflicts (2 of 4 stars). 2 submissions from 2 submitters: Uncertain significance (2). Last evaluated 2024-12-02.

Conditions:
Inborn genetic diseases. Identifiers: MedGen C0950123, MeSH D030342.

Allele frequency attached by ClinVar (database versions not stated): gnomAD 0.00009 and 0.00010; gnomAD exomes 0.00010 and 0.00012; ExAC 0.00012; TOPMed 0.00019.
gnomAD v4.1: 194 of 1,614,184 alleles (0.012%); highest among the groups gnomAD compares: Admixed American, 0.028%; no homozygotes.

Submissions (2):

Labcorp Genetics (formerly Invitae), Labcorp
Classification: Uncertain significance. Last evaluated: 2024-12-02. Review status: criteria provided, single submitter. Criteria: Invitae Variant Classification Sherloc (09022015). Collection method: clinical testing. Allele origin: germline.
Comment: This sequence change replaces valine, which is neutral and non-polar, with methionine, which is neutral and non-polar, at codon 403 of the MBTPS1 protein (p.Val403Met). This variant is present in population databases (rs200031615, gnomAD 0.02%). This variant has not been reported in the literature in individuals affected with MBTPS1-related conditions. ClinVar contains an entry for this variant (Variation ID: 1346790). An algorithm developed to predict the effect of missense changes on protein structure and function outputs the following: PolyPhen-2: "Benign". The methionine amino acid residue is found in multiple mammalian species, which suggests that this missense change does not adversely affect protein function. In summary, the available evidence is currently insufficient to determine the role of this variant in disease. Therefore, it has been classified as a Variant of Uncertain Significance.

Ambry Genetics
Classification: Uncertain significance for Inborn genetic diseases. Last evaluated: 2024-01-23. Review status: criteria provided, single submitter. Criteria: Ambry Variant Classification Scheme 2023. Collection method: clinical testing. Allele origin: germline.

NM_003791.4(MBTPS1):c.1207G>A (p.Val403Met)

Gene: MBTPS1 (membrane bound transcription factor peptidase, site 1; minus strand). Cytogenetic location: 16q23.3.
Variant type: single nucleotide variant.
Coding change: c.1207G>A on transcript NM_003791.4 (MANE Select); coding-DNA position 1207, G replaced by A.
Protein change: p.Val403Met; replaces valine 403 with methionine.
Molecular consequence: missense variant.
Genome position (GRCh38, 1-based): chr16:84,085,062, C>T on the plus strand (G>A on the coding strand, the complement: MBTPS1 is on the minus strand). VCF-style: chr16-84085062-C-T. GRCh37 (hg19) VCF-style: chr16-84118667-C-T.
Other names: c.1207G>A (NM_003791.2); short protein forms V403M.
Identifiers: ClinVar variation 1346790 (VCV001346790.5), dbSNP rs200031615, ClinGen allele CA8201412.